The following is an entry in ClinVar:

ClinVar aggregate classification (germline): Uncertain significance. Review status: criteria provided, multiple submitters, no conflicts (2 of 4 stars). 5 submissions from 5 submitters: Uncertain significance (2). 3 of the submissions do not count toward it. Last evaluated 2025-12-23.

Conditions:
Alstrom syndrome (ALMS). Identifiers: Orphanet 64, MedGen C0268425, MONDO:0008763, OMIM 203800.
Retinal dystrophy. Also called: Inherited retinal dystrophy. Identifiers: Orphanet 71862, MedGen C0854723, MeSH D058499, MONDO:0019118, HP:0000556.

Submissions (5):

Women's Health and Genetics/Laboratory Corporation of America, LabCorp
Classification: Uncertain significance. Last evaluated: 2025-12-23. Review status: criteria provided, single submitter. Criteria: LabCorp Variant Classification Summary - May 2015. Collection method: clinical testing. Allele origin: germline.
Comment: Variant summary: ALMS1 c.9109_9111delCCT (p.Pro3037del) results in an in-frame deletion that is predicted to remove one amino acids from the encoded protein. The variant allele was found at a frequency of 2.4e-05 in 249318 control chromosomes. The available data on variant occurrences in the general population are insufficient to allow any conclusion about variant significance. To our knowledge, no occurrence of c.9109_9111delCCT in individuals affected with ALMS1-related conditions and no experimental evidence demonstrating its impact on protein function have been reported. ClinVar contains an entry for this variant (Variation ID: 555655). Based on the evidence outlined above, the variant was classified as uncertain significance.

Labcorp Genetics (formerly Invitae), Labcorp
Classification: Uncertain significance for Alstrom syndrome. Last evaluated: 2021-09-18. Review status: criteria provided, single submitter. Criteria: Invitae Variant Classification Sherloc (09022015). Collection method: clinical testing. Allele origin: germline.
Comment: This variant, c.9115_9117del, results in the deletion of 1 amino acid(s) of the ALMS1 protein (p.Pro3039del), but otherwise preserves the integrity of the reading frame. This variant is present in population databases (rs759799299, ExAC 0.004%). This variant has not been reported in the literature in individuals affected with ALMS1-related conditions. ClinVar contains an entry for this variant (Variation ID: 555655). Experimental studies and prediction algorithms are not available or were not evaluated, and the functional significance of this variant is currently unknown. In summary, the available evidence is currently insufficient to determine the role of this variant in disease. Therefore, it has been classified as a Variant of Uncertain Significance.

Institute of Human Genetics, Univ. Regensburg, Univ. Regensburg
Classification: Uncertain significance for Retinal dystrophy. Last evaluated: 2022-01-01. Review status: no assertion criteria provided. Criteria: ACMG Guidelines, 2015. Collection method: clinical testing. Allele origin: germline. Affected: yes. Not counted in ClinVar's aggregate classification.

Natera, Inc.
Classification: Uncertain significance for Alstrom syndrome. Last evaluated: 2020-11-24. Review status: no assertion criteria provided. Collection method: clinical testing. Allele origin: germline. Not counted in ClinVar's aggregate classification.

Counsyl
Classification: Uncertain significance for Alstrom syndrome. Last evaluated: 2017-12-27. Review status: no assertion criteria provided. Collection method: clinical testing. Allele origin: unknown. Not counted in ClinVar's aggregate classification.

NM_001378454.1(ALMS1):c.9109CCT[1] (p.Pro3038del)

Gene: ALMS1 (ALMS1 centrosome and basal body associated protein; plus strand). Cytogenetic location: 2p13.1.
Variant type: Microsatellite.
Coding change: c.9109CCT[1] on transcript NM_001378454.1 (MANE Select); one copy of the 3-base unit CCT starting at c.9109; the reference has two copies in a row; one copy, 3 bases deleted.
Protein change: p.Pro3038del; deletes proline 3038.
Molecular consequence: inframe deletion.
Genome position (GRCh38, 1-based): chr2:73,491,071-73,491,073, CCT deleted; deleting any 3 consecutive bases within chr2:73,491,066-73,491,073 gives the same sequence; the position shown is the placement nearest the transcript's 3' end. VCF-style (leftmost placement, unchanged base first): chr2-73491065-ACTC-A. GRCh37 (hg19) VCF-style: chr2-73718192-ACTC-A.
Other names: c.9107_9109del (NM_001378454.1); c.9115_9117del (NM_015120.4); c.9112CCT[1], p.Pro3039del (NM_015120.4); c.9115_9117delCCT (NM_015120.4); short protein forms P3039del, P3038del.
Identifiers: ClinVar variation 555655 (VCV000555655.12), dbSNP rs759799299, ClinGen allele CA1714603.
Genomic context (GRCh38, chr2:73,491,065, plus strand): 5'-TTCAATACTGTGGTCTCCCAGTCAGCCCCAAATCACTGTACATTAGCAGCATCTGCATCT[ACTC>A]CTCCTTCAAATAGAAAAGCACTTTCTTGTGTTCATATAACTCTTTGTCCCAAGACTTCTT-3'